The following is an entry in ClinVar:

ClinVar aggregate classification (germline): Uncertain significance. Review status: criteria provided, multiple submitters, no conflicts (2 of 4 stars). 2 submissions from 2 submitters: Uncertain significance (2). Last evaluated 2022-10-13.

Conditions:
Mitochondrial trifunctional protein deficiency. Identifiers: Orphanet 746, MedGen C1969443, MONDO:0012172.
Long chain 3-hydroxyacyl-CoA dehydrogenase deficiency. Also called: LCHAD Deficiency; Deficiency of long-chain 3-hydroxyacyl-coenzyme A dehydrogenase. Identifiers: Orphanet 5, MedGen C3711645, MONDO:0012173, OMIM 609016.

Allele frequency attached by ClinVar (database versions not stated): TOPMed 0.00001.
gnomAD v4.1: 4 of 1,608,266 alleles (0.00025%); highest among the groups gnomAD compares: East Asian, 0.0022%; no homozygotes.

Submissions (2):

Labcorp Genetics (formerly Invitae), Labcorp
Classification: Uncertain significance for Mitochondrial trifunctional protein deficiency; Long chain 3-hydroxyacyl-CoA dehydrogenase deficiency. Last evaluated: 2022-10-13. Review status: criteria provided, single submitter. Criteria: Invitae Variant Classification Sherloc (09022015). Collection method: clinical testing. Allele origin: germline.
Comment: This sequence change replaces valine, which is neutral and non-polar, with leucine, which is neutral and non-polar, at codon 412 of the HADHA protein (p.Val412Leu). This variant is not present in population databases (gnomAD no frequency). This missense change has been observed in individual(s) with mitochondrial trifunctional protein deficiency (PMID: 14630990). ClinVar contains an entry for this variant (Variation ID: 499280). Advanced modeling of protein sequence and biophysical properties (such as structural, functional, and spatial information, amino acid conservation, physicochemical variation, residue mobility, and thermodynamic stability) performed at Invitae indicates that this missense variant is not expected to disrupt HADHA protein function. In summary, the available evidence is currently insufficient to determine the role of this variant in disease. Therefore, it has been classified as a Variant of Uncertain Significance.

Eurofins Ntd Llc (ga)
Classification: Uncertain significance. Last evaluated: 2016-12-23. Review status: criteria provided, single submitter. Criteria: EGL Classification Definitions 2015. Collection method: clinical testing. Allele origin: germline. Observed: 1 variant allele, 1 heterozygote.

Literature cited by the submitters: PubMed 14630990 (cited by Labcorp Genetics (formerly Invitae), Labcorp).

NM_000182.5(HADHA):c.1234G>T (p.Val412Leu)

Genes: HADHA (hydroxyacyl-CoA dehydrogenase trifunctional multienzyme complex subunit alpha; minus strand), GAREM2 (GRB2 associated regulator of MAPK1 subtype 2; plus strand). Cytogenetic location: 2p23.3.
Variant type: single nucleotide variant.
Coding change: c.1234G>T on transcript NM_000182.5 (MANE Select); coding-DNA position 1234, G replaced by T.
Protein change: p.Val412Leu; replaces valine 412 with leucine.
Molecular consequence: missense variant.
Genome position (GRCh38, 1-based): chr2:26,201,307, C>A on the plus strand (G>T on the coding strand, the complement: HADHA is on the minus strand). VCF-style: chr2-26201307-C-A. GRCh37 (hg19) VCF-style: chr2-26424176-C-A.
Other names: short protein forms V412L.
Identifiers: ClinVar variation 499280 (VCV000499280.7), dbSNP rs770219903, ClinGen allele CA346127136.